The following is an entry in ClinVar:

ClinVar aggregate classification (germline): Uncertain significance (1 of 4 stars; one submission).

Allele frequency attached by ClinVar (database versions not stated): TOPMed below 0.00001; gnomAD 0.00001; ExAC 0.00010.
gnomAD v4.1: 13 of 1,494,588 alleles (0.00087%); highest among the groups gnomAD compares: South Asian, 0.013%; no homozygotes.

Submission:

Labcorp Genetics (formerly Invitae), Labcorp
Classification: Uncertain significance. Last evaluated: 2022-10-13. Review status: criteria provided, single submitter. Criteria: Invitae Variant Classification Sherloc (09022015). Collection method: clinical testing. Allele origin: germline.
Comment: In summary, the available evidence is currently insufficient to determine the role of this variant in disease. Therefore, it has been classified as a Variant of Uncertain Significance. Algorithms developed to predict the effect of missense changes on protein structure and function are either unavailable or do not agree on the potential impact of this missense change (SIFT: "Deleterious"; PolyPhen-2: "Not Available"; Align-GVGD: "Class C0"). This variant has not been reported in the literature in individuals affected with GLRX5-related conditions. The frequency data for this variant in the population databases is considered unreliable, as metrics indicate poor data quality at this position in the gnomAD database. This sequence change replaces serine, which is neutral and polar, with leucine, which is neutral and non-polar, at codon 34 of the GLRX5 protein (p.Ser34Leu).

NM_016417.3(GLRX5):c.101C>T (p.Ser34Leu)

Gene: GLRX5 (glutaredoxin 5; plus strand). Cytogenetic location: 14q32.13.
Variant type: single nucleotide variant.
Coding change: c.101C>T on transcript NM_016417.3 (MANE Select); coding-DNA position 101, C replaced by T.
Protein change: p.Ser34Leu; replaces serine 34 with leucine.
Molecular consequence: missense variant.
Genome position (GRCh38, 1-based): chr14:95,535,190, C>T. VCF-style: chr14-95535190-C-T. GRCh37 (hg19) VCF-style: chr14-96001527-C-T.
Other names: short protein forms S34L.
Identifiers: ClinVar variation 1969783 (VCV001969783.5), dbSNP rs753486590, ClinGen allele CA7333878.